The following is an entry in ClinVar:

NM_024426.6(WT1):c.126C>A (p.Gly42=)

Genes: WT1 (WT1 transcription factor; minus strand), LOC107982234 (WT1/WT1-AS bi-directional promoter region; plus strand). Cytogenetic location: 11p13.
Variant type: single nucleotide variant.
Coding change: c.126C>A on transcript NM_024426.6 (MANE Select); coding-DNA position 126, C replaced by A.
Protein change: p.Gly42=; no amino-acid change (glycine 42 retained).
Molecular consequence: synonymous variant. On other transcripts: non-coding transcript variant (2).
Genome position (GRCh38, 1-based): chr11:32,435,235, G>T on the plus strand (C>A on the coding strand, the complement: WT1 is on the minus strand). VCF-style: chr11-32435235-G-T. GRCh37 (hg19) VCF-style: chr11-32456781-G-T.
Other names: c.126C>A, p.Gly42= (NM_000378.6, NM_001407044.1, NM_001407045.1 and 6 more transcripts); c.111C>A, p.Gly37= (NM_024425.2); c.111C>A (NM_024426.4).
Identifiers: ClinVar variation 2930681 (VCV002930681.11), dbSNP rs1853476071, ClinGen allele CA473773282.

ClinVar aggregate classification (germline): Likely benign. Review status: criteria provided, multiple submitters, no conflicts (2 of 4 stars). 3 submissions from 3 submitters: Likely benign (3). Last evaluated 2025-09-01.

Conditions:
Inborn genetic diseases. Identifiers: MedGen C0950123, MeSH D030342.
Frasier syndrome. Identifiers: Orphanet 347, MedGen C0950122, MeSH D052159, MONDO:0007635, OMIM 136680.
Drash syndrome (DDS). Also called: NEPHROPATHY, WILMS TUMOR, AND GENITAL ANOMALIES; WILMS TUMOR AND PSEUDO- OR TRUE HERMAPHRODITISM. Identifiers: Orphanet 220, MedGen C0950121, MONDO:0008682, OMIM 194080.
Wilms tumor 1 (WT1). Also called: Wilms tumor, somatic. Identifiers: Orphanet 654, MedGen CN033288, MONDO:0008679, OMIM 194070.
11p partial monosomy syndrome (WAGR). Also called: CHROMOSOME 11p13 DELETION SYNDROME; WAGR syndrome; WAGR Spectrum Disorder; WAGR Complex. Identifiers: Orphanet 893, MedGen C0206115, MONDO:0008681, OMIM 194072.

Allele frequency attached by ClinVar (database versions not stated): gnomAD exomes below 0.00001.
gnomAD v4.1: 2 of 1,535,732 alleles (0.00013%); highest among the groups gnomAD compares: Non-Finnish European, 0.00017%; no homozygotes.

Submissions (3):

CeGaT Center for Human Genetics Tuebingen
Classification: Likely benign. Last evaluated: 2025-09-01. Review status: criteria provided, single submitter. Criteria: CeGaT Center For Human Genetics Tuebingen Variant Classification Criteria Version 2. Collection method: clinical testing. Allele origin: germline. Affected: yes. Observed: 1 variant allele.
Comment: WT1: BP4, BP7

Ambry Genetics
Classification: Likely benign for Inborn genetic diseases. Last evaluated: 2024-12-31. Review status: criteria provided, single submitter. Criteria: Ambry Variant Classification Scheme 2023. Collection method: clinical testing. Allele origin: germline.

Labcorp Genetics (formerly Invitae), Labcorp
Classification: Likely benign for Wilms tumor 1; Drash syndrome; 11p partial monosomy syndrome; Frasier syndrome. Last evaluated: 2023-07-26. Review status: criteria provided, single submitter. Criteria: Invitae Variant Classification Sherloc (09022015). Collection method: clinical testing. Allele origin: germline.